The following is an entry in ClinVar:

NM_001162501.2(TNRC6B):c.5274C>T (p.Pro1758=)

Gene: TNRC6B (trinucleotide repeat containing adaptor 6B; plus strand). Cytogenetic location: 22q13.1.
Variant type: single nucleotide variant.
Coding change: c.5274C>T on transcript NM_001162501.2 (MANE Select); coding-DNA position 5274, C replaced by T.
Protein change: p.Pro1758=; no amino-acid change (proline 1758 retained).
Molecular consequence: synonymous variant.
Genome position (GRCh38, 1-based): chr22:40,323,013, C>T. VCF-style: chr22-40323013-C-T. GRCh37 (hg19) VCF-style: chr22-40719017-C-T.
Other names: c.2862C>T, p.Pro954= (NM_001024843.2); c.4944C>T, p.Pro1648= (NM_015088.3).
Identifiers: ClinVar variation 3046002 (VCV003046002.17), dbSNP rs200693814, ClinGen allele CA10247503.

ClinVar aggregate classification (germline): Likely benign. Review status: criteria provided, single submitter (1 of 4 stars). 2 submissions from 2 submitters: Likely benign (1). 1 of the submissions does not count toward it. Last evaluated 2024-08-01.

Conditions:
TNRC6B-related disorder. Also called: TNRC6B-related condition.

Allele frequency attached by ClinVar (database versions not stated): gnomAD exomes 0.00001; TOPMed 0.00002; gnomAD 0.00003; ExAC 0.00009; 1000 Genomes Project 30x 0.00016; 1000 Genomes Project 0.00020.
gnomAD v4.1: 17 of 1,605,616 alleles (0.0011%); highest among the groups gnomAD compares: Middle Eastern, 0.017%; no homozygotes.

Submissions (2):

CeGaT Center for Human Genetics Tuebingen
Classification: Likely benign. Last evaluated: 2024-08-01. Review status: criteria provided, single submitter. Criteria: CeGaT Center For Human Genetics Tuebingen Variant Classification Criteria Version 2. Collection method: clinical testing. Allele origin: germline. Affected: yes. Observed: 1 variant allele.
Comment: TNRC6B: BP4, BP7

PreventionGenetics, part of Exact Sciences
Classification: Likely benign for TNRC6B-related condition. Last evaluated: 2019-04-25. Review status: no assertion criteria provided. Collection method: clinical testing. Allele origin: germline. Not counted in ClinVar's aggregate classification.
Comment: This variant is classified as likely benign based on ACMG/AMP sequence variant interpretation guidelines (Richards et al. 2015 PMID: 25741868, with internal and published modifications).